The following is an entry in ClinVar:

ClinVar aggregate classification (germline): Pathogenic/Likely pathogenic. Review status: criteria provided, multiple submitters, no conflicts (2 of 4 stars). 5 submissions from 5 submitters: Pathogenic (2); Likely pathogenic (2). 1 of the submissions does not count toward it. Last evaluated 2024-06-17.

Conditions:
Deficiency of steroid 11-beta-monooxygenase (CYP11B1). Also called: 11-BETA-HYDROXYLASE DEFICIENCY; ADRENAL HYPERPLASIA, CONGENITAL, DUE TO STEROID 11-BETA-HYDROXYLASE DEFICIENCY; P450C11B1 DEFICIENCY; STEROID 11-BETA-HYDROXYLASE DEFICIENCY; ADRENAL HYPERPLASIA IV; Congenital adrenal hyperplasia due to 11-beta-hydroxylase deficiency. Identifiers: Orphanet 90795, MedGen C0268292, MONDO:0008729, OMIM 202010. Disease mechanism: loss of function.
Glucocorticoid-remediable aldosteronism. Also called: ACTH-DEPENDENT HYPERALDOSTERONISM SYNDROME; ALDOSTERONISM, SENSITIVE TO DEXAMETHASONE; FH I; GLUCOCORTICOID-SUPPRESSIBLE HYPERALDOSTERONISM; Hyperaldosteronism, familial, type I. Identifiers: Orphanet 403, MedGen C3838731, MONDO:0007080, OMIM 103900.

Allele frequency attached by ClinVar (database versions not stated): gnomAD exomes below 0.00001 and 0.00001; ExAC 0.00001.
gnomAD v4.1: 4 of 1,613,590 alleles (0.00025%); highest among the groups gnomAD compares: Admixed American, 0.0017%; no homozygotes.

Submissions (5):

Fulgent Genetics
Classification: Likely pathogenic for Glucocorticoid-remediable aldosteronism; Deficiency of steroid 11-beta-monooxygenase. Last evaluated: 2024-06-17. Review status: criteria provided, single submitter. Criteria: ACMG Guidelines, 2015. Collection method: clinical testing. Allele origin: germline.

Baylor Genetics
Classification: Pathogenic for Deficiency of steroid 11-beta-monooxygenase. Last evaluated: 2024-03-29. Review status: criteria provided, single submitter. Criteria: ACMG Guidelines, 2015. Collection method: clinical testing. Allele origin: unknown.

Labcorp Genetics (formerly Invitae), Labcorp
Classification: Pathogenic. Last evaluated: 2024-01-25. Review status: criteria provided, single submitter. Criteria: Invitae Variant Classification Sherloc (09022015). Collection method: clinical testing. Allele origin: germline.
Comment: This sequence change replaces arginine, which is basic and polar, with glutamine, which is neutral and polar, at codon 384 of the CYP11B1 protein (p.Arg384Gln). This variant is present in population databases (rs764598023, gnomAD 0.0009%). This missense change has been observed in individuals with 11-beta-hydroxylase deficiency (PMID: 8506298, 15751602, 20089618, 26956189). It has also been observed to segregate with disease in related individuals. ClinVar contains an entry for this variant (Variation ID: 552238). Advanced modeling of protein sequence and biophysical properties (such as structural, functional, and spatial information, amino acid conservation, physicochemical variation, residue mobility, and thermodynamic stability) performed at Invitae indicates that this missense variant is expected to disrupt CYP11B1 protein function with a positive predictive value of 95%. Experimental studies have shown that this missense change affects CYP11B1 function (PMID: 8506298). For these reasons, this variant has been classified as Pathogenic.

GeneDx
Classification: Likely pathogenic. Last evaluated: 2022-05-31. Review status: criteria provided, single submitter. Criteria: GeneDx Variant Classification Process June 2021. Collection method: clinical testing. Allele origin: germline. Affected: yes.
Comment: Identified in an individual with clinical and biochemical features of 11 beta-hydroxylase deficiency in published literature (Curnow et al., 1993); Functional studies demonstrate a damaging effect (impaired function of CYP11B1 resulting in disrupted enzymatic activity) (Curnow et al., 1993); Not observed at significant frequency in large population cohorts (gnomAD); In silico analysis supports that this missense variant has a deleterious effect on protein structure/function; This variant is associated with the following publications: (PMID: 8506298)

Counsyl
Classification: Likely pathogenic for Deficiency of steroid 11-beta-monooxygenase. Last evaluated: 2017-05-31. Review status: no assertion criteria provided. Collection method: clinical testing. Allele origin: unknown. Not counted in ClinVar's aggregate classification.

Literature cited by the submitters: PubMed 8506298 (cited by Labcorp Genetics (formerly Invitae), Labcorp and Counsyl); PubMed 15751602 (cited by Labcorp Genetics (formerly Invitae), Labcorp and Counsyl); PubMed 20089618 (cited by Labcorp Genetics (formerly Invitae), Labcorp and Counsyl); PubMed 26956189 (cited by Labcorp Genetics (formerly Invitae), Labcorp and Counsyl); PubMed 28228528 (cited by Counsyl).

NM_000497.4(CYP11B1):c.1151G>A (p.Arg384Gln)

Genes: CYP11B1 (cytochrome P450 family 11 subfamily B member 1; minus strand), LOC106799833 (CYP11B1 recombination region; plus strand). Cytogenetic location: 8q24.3.
Variant type: single nucleotide variant.
Coding change: c.1151G>A on transcript NM_000497.4 (MANE Select); coding-DNA position 1151, G replaced by A.
Protein change: p.Arg384Gln; replaces arginine 384 with glutamine.
Molecular consequence: missense variant.
Genome position (GRCh38, 1-based): chr8:142,875,283, C>T on the plus strand (G>A on the coding strand, the complement: CYP11B1 is on the minus strand). VCF-style: chr8-142875283-C-T. GRCh37 (hg19) VCF-style: chr8-143956699-C-T.
Other names: c.1151G>A, p.Arg384Gln (NM_001026213.1); short protein forms R384Q.
Identifiers: ClinVar variation 552238 (VCV000552238.14), dbSNP rs764598023, ClinGen allele CA4905094.
Genomic context (GRCh38, chr8:142,875,283, plus strand): 5'-GGCTCACTCACCCCAGCTGGGATGTGGTAGTTCTGAAGCACCAAGTCTGAGCTCGCCACT[C>T]GCTCCAGAAACAGACCCACAGGGTAGAGCCTGGAGGTGGGGGCATCCATAGAAAGGGTCC-3'
Protein context (NP_000488.3, residues 374-394): RLYPVGLFLE[Arg384Gln]VASSDLVLQN